The following is an entry in ClinVar:

ClinVar aggregate classification (germline): Uncertain significance (1 of 4 stars; one submission).

Conditions:
Autosomal recessive limb-girdle muscular dystrophy. Identifiers: Orphanet 102015, MedGen C2931907, MONDO:0015152.

gnomAD v4.1: 1 of 1,614,160 alleles (0.000062%); highest among the groups gnomAD compares: East Asian, 0.0022%; no homozygotes.

Submission:

Myriad Genetics, Inc.
Classification: Uncertain significance for Autosomal recessive limb-girdle muscular dystrophy. Last evaluated: 2026-04-20. Review status: criteria provided, single submitter. Criteria: Myriad Autosomal Dominant, Autosomal Recessive and X-Linked Classification Criteria (2023). Collection method: clinical testing. Allele origin: unknown.
Comment: NM_003494.3(DYSF):c.6177C>A(F2059L) is a missense variant classified as a variant of uncertain significance in the context of dysferlinopathy. F2059L has not been observed in cases with relevant disease. Relevant functional assessments of this variant are not available in the literature. F2059L has been observed in referenced population frequency databases. In summary, there is insufficient evidence to classify NM_003494.3(DYSF):c.6177C>A(F2059L) as pathogenic or benign. Please note: this variant was assessed in the context of healthy population screening.

NM_001130987.2(DYSF):c.6294C>A (p.Phe2098Leu)

Gene: DYSF (dysferlin; plus strand). Cytogenetic location: 2p13.2.
Variant type: single nucleotide variant.
Coding change: c.6294C>A on transcript NM_001130987.2 (MANE Select); coding-DNA position 6294, C replaced by A.
Protein change: p.Phe2098Leu; replaces phenylalanine 2098 with leucine.
Molecular consequence: missense variant.
Genome position (GRCh38, 1-based): chr2:71,682,650, C>A. VCF-style: chr2-71682650-C-A. GRCh37 (hg19) VCF-style: chr2-71909780-C-A.
Other names: c.6180C>A, p.Phe2060Leu (NM_001130455.2); c.6135C>A, p.Phe2045Leu (NM_001130976.2); c.6198C>A, p.Phe2066Leu (NM_001130977.2); c.6240C>A, p.Phe2080Leu (NM_001130978.2); c.6270C>A, p.Phe2090Leu (NM_001130979.2); c.6228C>A, p.Phe2076Leu (NM_001130980.2); c.6291C>A, p.Phe2097Leu (NM_001130981.2); c.6273C>A, p.Phe2091Leu (NM_001130982.2); and 5 more; short protein forms F2045L, F2060L, F2067L, F2080L, F2090L, F2046L, F2081L, F2091L.
Identifiers: ClinVar variation 5003946 (VCV005003946.1).
Genomic context (GRCh38, chr2:71,682,650, plus strand): 5'-GTGGCGGCGTTTCCGGTGGGCCATCATCCTCTTCATCATCCTCTTCATCCTGCTGCTGTT[C>A]CTGGCCATCTTCATCTACGCCTTCCCGGTGAGCAGGCCTGACGACACTGTGGTGGGGGAA-3'
Protein context (NP_001124459.1, residues 2088-2108): LFIILFILLL[Phe2098Leu]LAIFIYAFPN